The following is an entry in ClinVar:

ClinVar aggregate classification (germline): Uncertain significance. Review status: criteria provided, multiple submitters, no conflicts (2 of 4 stars). 2 submissions from 2 submitters: Uncertain significance (2). Last evaluated 2025-05-11.

Conditions:
Diffuse cerebral and cerebellar atrophy - intractable seizures - progressive microcephaly syndrome. Also called: Microcephaly, progressive, with seizures and cerebral and cerebellar atrophy. Identifiers: Orphanet 404437, MedGen C4014239, MONDO:0014335, OMIM 615760.

Allele frequency attached by ClinVar (database versions not stated): gnomAD exomes 0.00002 and 0.00003.
gnomAD v4.1: 17 of 1,612,042 alleles (0.0011%); highest among the groups gnomAD compares: East Asian, 0.036%; no homozygotes.

Submissions (2):

Labcorp Genetics (formerly Invitae), Labcorp
Classification: Uncertain significance for Diffuse cerebral and cerebellar atrophy - intractable seizures - progressive microcephaly syndrome. Last evaluated: 2025-05-11. Review status: criteria provided, single submitter. Criteria: Invitae Variant Classification Sherloc (09022015). Collection method: clinical testing. Allele origin: germline.
Comment: This sequence change replaces tyrosine, which is neutral and polar, with cysteine, which is neutral and slightly polar, at codon 643 of the QARS protein (p.Tyr643Cys). This variant is present in population databases (no rsID available, gnomAD 0.02%). This variant has not been reported in the literature in individuals affected with QARS-related conditions. ClinVar contains an entry for this variant (Variation ID: 838551). Invitae Evidence Modeling of protein sequence and biophysical properties (such as structural, functional, and spatial information, amino acid conservation, physicochemical variation, residue mobility, and thermodynamic stability) has been performed for this missense variant. However, the output from this modeling did not meet the statistical confidence thresholds required to predict the impact of this variant on QARS protein function. In summary, the available evidence is currently insufficient to determine the role of this variant in disease. Therefore, it has been classified as a Variant of Uncertain Significance.

Revvity Omics, Revvity
Classification: Uncertain significance for Diffuse cerebral and cerebellar atrophy - intractable seizures - progressive microcephaly syndrome. Last evaluated: 2023-11-01. Review status: criteria provided, single submitter. Criteria: ACMG Guidelines, 2015. Collection method: clinical testing. Allele origin: germline.

NM_005051.3(QARS1):c.1928A>G (p.Tyr643Cys)

Gene: QARS1 (glutaminyl-tRNA synthetase 1; minus strand). Cytogenetic location: 3p21.31.
Variant type: single nucleotide variant.
Coding change: c.1928A>G on transcript NM_005051.3 (MANE Select); coding-DNA position 1928, A replaced by G.
Protein change: p.Tyr643Cys; replaces tyrosine 643 with cysteine.
Molecular consequence: missense variant. On other transcripts: non-coding transcript variant (1).
Genome position (GRCh38, 1-based): chr3:49,098,628, T>C on the plus strand (A>G on the coding strand, the complement: QARS1 is on the minus strand). VCF-style: chr3-49098628-T-C. GRCh37 (hg19) VCF-style: chr3-49136061-T-C.
Other names: c.1895A>G, p.Tyr632Cys (NM_001272073.2); short protein forms Y643C, Y632C.
Identifiers: ClinVar variation 838551 (VCV000838551.9), dbSNP rs1396216642, ClinGen allele CA352700020.
Genomic context (GRCh38, chr3:49,098,628, plus strand): 5'-ACTGCAGTAGGAAGGCTGCAGCTGGCTCTCACCTTGACAACATGCTGCAGCTCAATGACG[T>C]AGCCTGTATGCCTCAGGCCCACAGGCTGGCCCCAAGCCAGGCGCTTAAATCCTGGCTCTG-3'
Protein context (NP_005042.1, residues 633-653): GQPVGLRHTG[Tyr643Cys]VIELQHVVKG